The following is an entry in ClinVar:

ClinVar aggregate classification (germline): Uncertain significance (1 of 4 stars; one submission).

gnomAD v4.1: 7 of 1,614,202 alleles (0.00043%); highest among the groups gnomAD compares: Non-Finnish European, 0.00059%; no homozygotes.

Submission:

Labcorp Genetics (formerly Invitae), Labcorp
Classification: Uncertain significance. Last evaluated: 2025-06-08. Review status: criteria provided, single submitter. Criteria: Invitae Variant Classification Sherloc (09022015). Collection method: clinical testing. Allele origin: germline.
Comment: This sequence change replaces alanine, which is neutral and non-polar, with aspartic acid, which is acidic and polar, at codon 104 of the ARFGEF2 protein (p.Ala104Asp). This variant is present in population databases (no rsID available, gnomAD 0.002%). This variant has not been reported in the literature in individuals affected with ARFGEF2-related conditions. An algorithm developed to predict the effect of missense changes on protein structure and function (PolyPhen-2) suggests that this variant is likely to be tolerated. In summary, the available evidence is currently insufficient to determine the role of this variant in disease. Therefore, it has been classified as a Variant of Uncertain Significance.

NM_006420.3(ARFGEF2):c.311C>A (p.Ala104Asp)

Gene: ARFGEF2 (ARF guanine nucleotide exchange factor 2; plus strand). Cytogenetic location: 20q13.13.
Variant type: single nucleotide variant.
Coding change: c.311C>A on transcript NM_006420.3 (MANE Select); coding-DNA position 311, C replaced by A.
Protein change: p.Ala104Asp; replaces alanine 104 with aspartic acid.
Molecular consequence: missense variant.
Genome position (GRCh38, 1-based): chr20:48,951,357, C>A. VCF-style: chr20-48951357-C-A. GRCh37 (hg19) VCF-style: chr20-47567894-C-A.
Other names: c.311C>A, p.Ala104Asp (NM_001410846.1); short protein forms A104D.
Identifiers: ClinVar variation 4812116 (VCV004812116.1).